The following is an entry in ClinVar:

ClinVar aggregate classification (germline): Uncertain significance (1 of 4 stars; one submission).

Allele frequency attached by ClinVar (database versions not stated): gnomAD exomes below 0.00001.
gnomAD v4.1: 1 of 1,611,916 alleles (0.000062%); highest among the groups gnomAD compares: Admixed American, 0.0017%; no homozygotes.

Submission:

Labcorp Genetics (formerly Invitae), Labcorp
Classification: Uncertain significance. Last evaluated: 2023-03-28. Review status: criteria provided, single submitter. Criteria: Invitae Variant Classification Sherloc (09022015). Collection method: clinical testing. Allele origin: germline.
Comment: In summary, the available evidence is currently insufficient to determine the role of this variant in disease. Therefore, it has been classified as a Variant of Uncertain Significance. Advanced modeling of protein sequence and biophysical properties (such as structural, functional, and spatial information, amino acid conservation, physicochemical variation, residue mobility, and thermodynamic stability) performed at Invitae indicates that this missense variant is not expected to disrupt TNNI3K protein function. This variant has not been reported in the literature in individuals affected with TNNI3K-related conditions. This variant is present in population databases (no rsID available, gnomAD 0.003%). This sequence change replaces alanine, which is neutral and non-polar, with serine, which is neutral and polar, at codon 396 of the TNNI3K protein (p.Ala396Ser).

NM_015978.3(TNNI3K):c.1186G>T (p.Ala396Ser)

Genes: FPGT-TNNI3K (FPGT-TNNI3K readthrough; plus strand), TNNI3K (TNNI3 interacting kinase; plus strand). Cytogenetic location: 1p31.1.
Variant type: single nucleotide variant.
Coding change: c.1186G>T on transcript NM_015978.3 (MANE Select); coding-DNA position 1186, G replaced by T.
Protein change: p.Ala396Ser; replaces alanine 396 with serine.
Molecular consequence: missense variant.
Genome position (GRCh38, 1-based): chr1:74,367,264, G>T. VCF-style: chr1-74367264-G-T. GRCh37 (hg19) VCF-style: chr1-74832948-G-T.
Other names: c.1489G>T, p.Ala497Ser (NM_001112808.3, NM_001199327.2); short protein forms A396S, A497S.
Identifiers: ClinVar variation 2779530 (VCV002779530.3), dbSNP rs1178003046, ClinGen allele CA340785391.